The following is an entry in ClinVar:

ClinVar aggregate classification (germline): Uncertain significance (1 of 4 stars; one submission).

Conditions:
Werner syndrome (WRN). Identifiers: Orphanet 902, MedGen C0043119, MONDO:0010196, OMIM 277700.

Submission:

Labcorp Genetics (formerly Invitae), Labcorp
Classification: Uncertain significance for Werner syndrome. Last evaluated: 2023-08-04. Review status: criteria provided, single submitter. Criteria: Invitae Variant Classification Sherloc (09022015). Collection method: clinical testing. Allele origin: germline.
Comment: In summary, the available evidence is currently insufficient to determine the role of this variant in disease. Therefore, it has been classified as a Variant of Uncertain Significance. Algorithms developed to predict the effect of missense changes on protein structure and function output the following: SIFT: "Not Available"; PolyPhen-2: "Benign"; Align-GVGD: "Not Available". The arginine amino acid residue is found in multiple mammalian species, which suggests that this missense change does not adversely affect protein function. ClinVar contains an entry for this variant (Variation ID: 1018964). This variant has not been reported in the literature in individuals affected with WRN-related conditions. This variant is not present in population databases (gnomAD no frequency). This sequence change replaces glutamine, which is neutral and polar, with arginine, which is basic and polar, at codon 1059 of the WRN protein (p.Gln1059Arg).

NM_000553.6(WRN):c.3176A>G (p.Gln1059Arg)

Gene: WRN (WRN RecQ like helicase; plus strand). Cytogenetic location: 8p12.
Variant type: single nucleotide variant.
Coding change: c.3176A>G on transcript NM_000553.6 (MANE Select); coding-DNA position 3176, A replaced by G.
Protein change: p.Gln1059Arg; replaces glutamine 1059 with arginine.
Molecular consequence: missense variant.
Genome position (GRCh38, 1-based): chr8:31,141,718, A>G. VCF-style: chr8-31141718-A-G. GRCh37 (hg19) VCF-style: chr8-30999234-A-G.
Other names: short protein forms Q1059R.
Identifiers: ClinVar variation 1018964 (VCV001018964.3), dbSNP rs1802644502, ClinGen allele CA370923033.